The following is an entry in ClinVar:

NM_004171.4(SLC1A2):c.1481A>G (p.Tyr494Cys)

Gene: SLC1A2 (solute carrier family 1 member 2; minus strand). Cytogenetic location: 11p13.
Variant type: single nucleotide variant.
Coding change: c.1481A>G on transcript NM_004171.4 (MANE Select); coding-DNA position 1481, A replaced by G.
Protein change: p.Tyr494Cys; replaces tyrosine 494 with cysteine.
Molecular consequence: missense variant.
Genome position (GRCh38, 1-based): chr11:35,265,699, T>C on the plus strand (A>G on the coding strand, the complement: SLC1A2 is on the minus strand). VCF-style: chr11-35265699-T-C. GRCh37 (hg19) VCF-style: chr11-35287246-T-C.
Other names: c.1454A>G, p.Tyr485Cys (NM_001195728.3, NM_001252652.2); short protein forms Y485C, Y494C.
Identifiers: ClinVar variation 2141299 (VCV002141299.5), dbSNP rs1327975820, ClinGen allele CA380118974.

ClinVar aggregate classification (germline): Uncertain significance. Review status: criteria provided, multiple submitters, no conflicts (2 of 4 stars). 2 submissions from 2 submitters: Uncertain significance (2). Last evaluated 2025-05-06.

Allele frequency attached by ClinVar (database versions not stated): TOPMed below 0.00001.
gnomAD v4.1: 2 of 1,614,124 alleles (0.00012%); highest among the groups gnomAD compares: Admixed American, 0.0017%; no homozygotes.

Submissions (2):

Women's Health and Genetics/Laboratory Corporation of America, LabCorp
Classification: Uncertain significance. Last evaluated: 2025-05-06. Review status: criteria provided, single submitter. Criteria: LabCorp Variant Classification Summary - May 2015. Collection method: clinical testing. Allele origin: germline.
Comment: Variant summary: SLC1A2 c.1481A>G (p.Tyr494Cys) results in a non-conservative amino acid change in the encoded protein sequence. Algorithms developed to predict the effect of missense changes on protein structure and function are either unavailable or do not agree on the potential impact of this missense change. The variant allele was found at a frequency of 4e-06 in 251436 control chromosomes. The available data on variant occurrences in the general population are insufficient to allow any conclusion about variant significance. To our knowledge, no occurrence of c.1481A>G in individuals affected with Epileptic Encephalopathy, Early Infantile, 41 and no experimental evidence demonstrating its impact on protein function have been reported. ClinVar contains an entry for this variant (Variation ID: 2141299). Based on the evidence outlined above, the variant was classified as uncertain significance.

Labcorp Genetics (formerly Invitae), Labcorp
Classification: Uncertain significance. Last evaluated: 2022-06-15. Review status: criteria provided, single submitter. Criteria: Invitae Variant Classification Sherloc (09022015). Collection method: clinical testing. Allele origin: germline.
Comment: In summary, the available evidence is currently insufficient to determine the role of this variant in disease. Therefore, it has been classified as a Variant of Uncertain Significance. Algorithms developed to predict the effect of missense changes on protein structure and function are either unavailable or do not agree on the potential impact of this missense change (SIFT: "Deleterious"; PolyPhen-2: "Probably Damaging"; Align-GVGD: "Class C15"). This variant has not been reported in the literature in individuals affected with SLC1A2-related conditions. This variant is present in population databases (no rsID available, gnomAD 0.003%). This sequence change replaces tyrosine, which is neutral and polar, with cysteine, which is neutral and slightly polar, at codon 494 of the SLC1A2 protein (p.Tyr494Cys).